The following is an entry in ClinVar:

ClinVar aggregate classification (germline): Uncertain significance (1 of 4 stars; one submission).

Conditions:
Immunodeficiency 104. Also called: Severe combined immunodeficiency, autosomal recessive, T cell-negative, B cell-positive, NK cell-positive; SCID, AUTOSOMAL RECESSIVE, T CELL-NEGATIVE, B CELL-POSITIVE, NK CELL-POSITIVE; IMMUNODEFICIENCY 104, SEVERE COMBINED; Severe Combined Immune Deficiency, Autosomal Recessive, TCell -Negative, B Cell-Positive, NK Cell-Positive, IL7R-Related. Identifiers: MedGen C5676890, MONDO:0012163, OMIM 608971.

Allele frequency attached by ClinVar (database versions not stated): gnomAD exomes below 0.00001 and 0.00001; ExAC 0.00001.
gnomAD v4.1: 10 of 1,604,892 alleles (0.00062%); highest among the groups gnomAD compares: South Asian, 0.011%; no homozygotes.

Submission:

Labcorp Genetics (formerly Invitae), Labcorp
Classification: Uncertain significance for Immunodeficiency 104. Last evaluated: 2021-10-18. Review status: criteria provided, single submitter. Criteria: Invitae Variant Classification Sherloc (09022015). Collection method: clinical testing. Allele origin: germline.
Comment: This sequence change affects codon 267 of the IL7R mRNA. It is a 'silent' change, meaning that it does not change the encoded amino acid sequence of the IL7R protein. It affects a nucleotide within the consensus splice site. This variant is present in population databases (rs764528268, ExAC 0.006%). This variant has not been reported in the literature in individuals affected with IL7R-related conditions. Algorithms developed to predict the effect of sequence changes on RNA splicing suggest that this variant may disrupt the consensus splice site. In summary, the available evidence is currently insufficient to determine the role of this variant in disease. Therefore, it has been classified as a Variant of Uncertain Significance.

NM_002185.5(IL7R):c.799A>C (p.Arg267=)

Gene: IL7R (interleukin 7 receptor; plus strand). Cytogenetic location: 5p13.2.
Variant type: single nucleotide variant.
Coding change: c.799A>C on transcript NM_002185.5 (MANE Select); coding-DNA position 799, A replaced by C.
Protein change: p.Arg267=; no amino-acid change (arginine 267 retained).
Molecular consequence: synonymous variant.
Genome position (GRCh38, 1-based): chr5:35,874,541, A>C. VCF-style: chr5-35874541-A-C. GRCh37 (hg19) VCF-style: chr5-35874643-A-C.
Identifiers: ClinVar variation 1345352 (VCV001345352.3), dbSNP rs764528268, ClinGen allele CA3232091.